The following is an entry in ClinVar:

NM_004586.3(RPS6KA3):c.1587T>G (p.Tyr529Ter)

Gene: RPS6KA3 (ribosomal protein S6 kinase A3; minus strand). Cytogenetic location: Xp22.12.
Variant type: single nucleotide variant.
Coding change: c.1587T>G on transcript NM_004586.3 (MANE Select); coding-DNA position 1587, T replaced by G.
Protein change: p.Tyr529Ter; replaces tyrosine 529 with a stop codon.
Molecular consequence: nonsense.
Genome position (GRCh38, 1-based): chrX:20,167,604, A>C on the plus strand (T>G on the coding strand, the complement: RPS6KA3 is on the minus strand). VCF-style: chrX-20167604-A-C. GRCh37 (hg19) VCF-style: chrX-20185722-A-C.
Other names: short protein forms Y529*.
Identifiers: ClinVar variation 1215101 (VCV001215101.6), dbSNP rs2148649878, ClinGen allele CA412514684.

ClinVar aggregate classification (germline): Pathogenic (1 of 4 stars; one submission).

Submission:

GeneDx
Classification: Pathogenic. Last evaluated: 2024-02-23. Review status: criteria provided, single submitter. Criteria: GeneDx Variant Classification Process June 2021. Collection method: clinical testing. Allele origin: germline. Affected: yes.
Comment: Nonsense variant predicted to result in protein truncation or nonsense mediated decay in a gene for which loss-of-function is a known mechanism of disease; Not observed in large population cohorts (gnomAD); Has not been previously published as pathogenic or benign to our knowledge